The following is an entry in ClinVar:

ClinVar aggregate classification (germline): Benign. Review status: criteria provided, multiple submitters, no conflicts (2 of 4 stars). 2 submissions from 2 submitters: Benign (2). Last evaluated 2018-01-12.

Conditions:
Legius syndrome. Identifiers: Orphanet 137605, MedGen C1969623, MONDO:0012669, OMIM 611431. Disease mechanism: loss of function.

Allele frequency attached by ClinVar (database versions not stated): TOPMed 0.95177; 1000 Genomes Project 0.95407; 1000 Genomes Project 30x 0.95409.

Submissions (2):

Illumina Laboratory Services, Illumina
Classification: Benign for Legius syndrome. Last evaluated: 2018-01-12. Review status: criteria provided, single submitter. Criteria: ICSL Variant Classification Criteria 13 December 2019. Collection method: clinical testing. Allele origin: germline.
Comment: This variant was observed in the ICSL laboratory as part of a predisposition screen in an ostensibly healthy population. It had not been previously curated by ICSL or reported in the Human Gene Mutation Database (HGMD: prior to June 1st, 2018), and was therefore a candidate for classification through an automated scoring system. Utilizing variant allele frequency, disease prevalence and penetrance estimates, and inheritance mode, an automated score was calculated to assess if this variant is too frequent to cause the disease. Based on the score and internal cut-off values, a variant classified as benign is not then subjected to further curation. The score for this variant resulted in a classification of benign for this disease.

Breakthrough Genomics
Classification: Benign. Review status: criteria provided, single submitter. Criteria: ACMG Guidelines, 2015. Collection method: not provided. Allele origin: germline. Inheritance: Autosomal dominant inheritance. Affected: yes.

NM_152594.3(SPRED1):c.*3946G>A

Gene: SPRED1 (sprouty related EVH1 domain containing 1; plus strand). Cytogenetic location: 15q14.
Variant type: single nucleotide variant.
Coding change: c.*3946G>A on transcript NM_152594.3 (MANE Select); 3946 bases downstream of the stop codon, G replaced by A.
Molecular consequence: 3 prime UTR variant.
Genome position (GRCh38, 1-based): chr15:38,355,610, G>A. VCF-style: chr15-38355610-G-A. GRCh37 (hg19) VCF-style: chr15-38647811-G-A.
Identifiers: ClinVar variation 315775 (VCV000315775.6), dbSNP rs8039337, ClinGen allele CA10646905.
Genomic context (GRCh38, chr15:38,355,610, plus strand): 5'-GAATCTTAAGGATATTTCTTGTGTTGAAATTTACATTCGATTTTGTGATTACACTTGGAA[G>A]TATGTGTTAAATTGGGTTTTTAATTGTAGCCCAAAGGTGCATTAAGCAAGTGTAACATTT-3'